The following is an entry in ClinVar:

ClinVar aggregate classification (germline): Uncertain significance (1 of 4 stars; one submission).

Conditions:
Inborn genetic diseases. Identifiers: MedGen C0950123, MeSH D030342.

Submission:

Ambry Genetics
Classification: Uncertain significance for Inborn genetic diseases. Last evaluated: 2026-07-15. Review status: criteria provided, single submitter. Criteria: Ambry Variant Classification Scheme 2023. Collection method: clinical testing. Allele origin: germline.
Comment: The p.S654R variant (also known as c.1962T>G), located in coding exon 18 of the ANKRD26 gene, results from a T to G substitution at nucleotide position 1962. The serine at codon 654 is replaced by arginine, an amino acid with dissimilar properties. This amino acid position is conserved. In addition, this alteration is predicted to be tolerated by in silico analysis. Based on the available evidence, the clinical significance of this variant remains unclear.

NM_014915.3(ANKRD26):c.1962T>G (p.Ser654Arg)

Gene: ANKRD26 (ankyrin repeat domain 26; minus strand). Cytogenetic location: 10p12.1.
Variant type: single nucleotide variant.
Coding change: c.1962T>G on transcript NM_014915.3 (MANE Select); coding-DNA position 1962, T replaced by G.
Protein change: p.Ser654Arg; replaces serine 654 with arginine.
Molecular consequence: missense variant.
Genome position (GRCh38, 1-based): chr10:27,046,376, A>C on the plus strand (T>G on the coding strand, the complement: ANKRD26 is on the minus strand). VCF-style: chr10-27046376-A-C. GRCh37 (hg19) VCF-style: chr10-27335305-A-C.
Other names: c.1959T>G, p.Ser653Arg (NM_001256053.2); short protein forms S653R, S654R.
Identifiers: ClinVar variation 5023099 (VCV005023099.1).